The following is an entry in ClinVar:

NM_020843.4(SCAPER):c.336A>C (p.Arg112=)

Gene: SCAPER (S-phase cyclin A associated protein in the ER; minus strand). Cytogenetic location: 15q24.3.
Variant type: single nucleotide variant.
Coding change: c.336A>C on transcript NM_020843.4 (MANE Select); coding-DNA position 336, A replaced by C.
Protein change: p.Arg112=; no amino-acid change (arginine 112 retained).
Molecular consequence: synonymous variant. On other transcripts: 5 prime UTR variant (4), non-coding transcript variant (1).
Genome position (GRCh38, 1-based): chr15:76,841,791, T>G on the plus strand (A>C on the coding strand, the complement: SCAPER is on the minus strand). VCF-style: chr15-76841791-T-G. GRCh37 (hg19) VCF-style: chr15-77134132-T-G.
Other names: c.-562A>C (NM_001145923.2); c.336A>C, p.Arg112= (NM_001353009.2); c.-67A>C (NM_001353010.2, NM_001353011.2, NM_001353012.2).
Identifiers: ClinVar variation 5040452 (VCV005040452.1).

ClinVar aggregate classification (germline): Likely benign (1 of 4 stars; one submission).

Submission:

CeGaT Center for Human Genetics Tuebingen
Classification: Likely benign. Last evaluated: 2026-08-01. Review status: criteria provided, single submitter. Criteria: CeGaT Center For Human Genetics Tuebingen Variant Classification Criteria Version 2. Collection method: clinical testing. Allele origin: germline. Affected: yes. Observed: 1 variant allele.
Comment: SCAPER: PM2:Supporting, BP4, BP7